The following is an entry in ClinVar:

ClinVar aggregate classification (germline): Uncertain significance (1 of 4 stars; one submission).

Conditions:
Cardiac arrhythmia. Also called: Cardiac rhythm disease; Arrhythmia. Identifiers: MedGen C0003811, MONDO:0007263, HP:0011675.

Allele frequency attached by ClinVar (database versions not stated): gnomAD 0.00001; gnomAD exomes below 0.00001; ExAC 0.00001.

Submission:

Labcorp Genetics (formerly Invitae), Labcorp
Classification: Uncertain significance for Cardiac arrhythmia. Last evaluated: 2022-09-26. Review status: criteria provided, single submitter. Criteria: Invitae Variant Classification Sherloc (09022015). Collection method: clinical testing. Allele origin: germline.
Comment: This sequence change replaces glutamine, which is neutral and polar, with arginine, which is basic and polar, at codon 133 of the RANGRF protein (p.Gln133Arg). This variant is present in population databases (rs770731506, gnomAD 0.002%). This variant has not been reported in the literature in individuals affected with RANGRF-related conditions. ClinVar contains an entry for this variant (Variation ID: 1372972). Algorithms developed to predict the effect of missense changes on protein structure and function output the following: SIFT: "Tolerated"; PolyPhen-2: "Benign"; Align-GVGD: "Class C0". The arginine amino acid residue is found in multiple mammalian species, which suggests that this missense change does not adversely affect protein function. In summary, the available evidence is currently insufficient to determine the role of this variant in disease. Therefore, it has been classified as a Variant of Uncertain Significance.

NM_016492.5(RANGRF):c.398A>G (p.Gln133Arg)

Genes: RANGRF (RAN guanine nucleotide release factor; plus strand), SLC25A35 (solute carrier family 25 member 35; minus strand). Cytogenetic location: 17p13.1.
Variant type: single nucleotide variant.
Coding change: c.398A>G on transcript NM_016492.5 (MANE Select); coding-DNA position 398, A replaced by G.
Protein change: p.Gln133Arg; replaces glutamine 133 with arginine.
Molecular consequence: missense variant. On other transcripts: synonymous variant (1), 3 prime UTR variant (1), non-coding transcript variant (1), intron variant (3).
Genome position (GRCh38, 1-based): chr17:8,289,549, A>G. VCF-style: chr17-8289549-A-G. GRCh37 (hg19) VCF-style: chr17-8192867-A-G.
Other names: c.398A>G, p.Gln133Arg (NM_001177801.2); c.486A>G, p.Pro162= (NM_001177802.2); c.*67T>C (NM_201520.3); c.*42+25T>C (NM_001320871.2, NM_001320872.2); c.351+135A>G (NM_001330127.2); short protein forms Q133R.
Identifiers: ClinVar variation 1372972 (VCV001372972.8), dbSNP rs770731506, ClinGen allele CA8374411.